The following is an entry in ClinVar:

ClinVar aggregate classification (germline): Uncertain significance (1 of 4 stars; one submission).

Allele frequency attached by ClinVar (database versions not stated): gnomAD exomes below 0.00001.
gnomAD v4.1: 2 of 1,574,792 alleles (0.00013%); highest among the groups gnomAD compares: African/African-American, 0.0028%; no homozygotes.

Submission:

CeGaT Center for Human Genetics Tuebingen
Classification: Uncertain significance. Last evaluated: 2023-09-01. Review status: criteria provided, single submitter. Criteria: CeGaT Center For Human Genetics Tuebingen Variant Classification Criteria Version 2. Collection method: clinical testing. Allele origin: germline. Affected: yes. Observed: 1 variant allele.
Comment: KMT2C: PM2

NM_170606.3(KMT2C):c.4127G>A (p.Ser1376Asn)

Gene: KMT2C (lysine methyltransferase 2C; minus strand). Cytogenetic location: 7q36.1.
Variant type: single nucleotide variant.
Coding change: c.4127G>A on transcript NM_170606.3 (MANE Select); coding-DNA position 4127, G replaced by A.
Protein change: p.Ser1376Asn; replaces serine 1376 with asparagine.
Molecular consequence: missense variant.
Genome position (GRCh38, 1-based): chr7:152,199,425, C>T on the plus strand (G>A on the coding strand, the complement: KMT2C is on the minus strand). VCF-style: chr7-152199425-C-T. GRCh37 (hg19) VCF-style: chr7-151896510-C-T.
Other names: short protein forms S1376N.
Identifiers: ClinVar variation 2658228 (VCV002658228.24), dbSNP rs2487895409, ClinGen allele CA370107381.